The following is an entry in ClinVar:

NM_006231.4(POLE):c.1143G>T (p.Leu381=)

Gene: POLE (DNA polymerase epsilon, catalytic subunit; minus strand). Cytogenetic location: 12q24.33.
Variant type: single nucleotide variant.
Coding change: c.1143G>T on transcript NM_006231.4 (MANE Select); coding-DNA position 1143, G replaced by T.
Protein change: p.Leu381=; no amino-acid change (leucine 381 retained).
Molecular consequence: synonymous variant.
Genome position (GRCh38, 1-based): chr12:132,675,481, C>A on the plus strand (G>T on the coding strand, the complement: POLE is on the minus strand). VCF-style: chr12-132675481-C-A. GRCh37 (hg19) VCF-style: chr12-133252067-C-A.
Identifiers: ClinVar variation 3904279 (VCV003904279.1).

ClinVar aggregate classification (germline): Benign (1 of 4 stars; one submission).

Conditions:
Colorectal cancer, susceptibility to, 12 (CRCS12). Also called: COLORECTAL CANCER, SUSCEPTIBILITY TO, ON CHROMOSOME 12q24. Identifiers: Orphanet 220460, MedGen C3554460, MONDO:0014038, OMIM 615083.

Submission:

Myriad Genetics, Inc.
Classification: Benign for Colorectal cancer, susceptibility to, 12. Last evaluated: 2025-02-10. Review status: criteria provided, single submitter. Criteria: Myriad Autosomal Dominant, Autosomal Recessive and X-Linked Classification Criteria (2023). Collection method: clinical testing. Allele origin: unknown.
Comment: This variant is considered benign. This variant is a silent/synonymous amino acid change and it is not expected to impact splicing.